The following is an entry in ClinVar:

NM_005989.4(AKR1D1):c.*1163T>C

Gene: AKR1D1 (aldo-keto reductase family 1 member D1; plus strand). Cytogenetic location: 7q33.
Variant type: single nucleotide variant.
Coding change: c.*1163T>C on transcript NM_005989.4 (MANE Select); 1163 bases downstream of the stop codon, T replaced by C.
Molecular consequence: 3 prime UTR variant.
Genome position (GRCh38, 1-based): chr7:138,117,825, T>C. VCF-style: chr7-138117825-T-C. GRCh37 (hg19) VCF-style: chr7-137802571-T-C.
Other names: c.*1163T>C (NM_001190906.2); c.*1188T>C (NM_001190907.2).
Identifiers: ClinVar variation 358981 (VCV000358981.6), dbSNP rs11763063, ClinGen allele CA10625301.

ClinVar aggregate classification (germline): Benign. Review status: criteria provided, multiple submitters, no conflicts (2 of 4 stars). 2 submissions from 2 submitters: Benign (2). Last evaluated 2018-01-13.

Conditions:
Congenital bile acid synthesis defect 2 (CBAS2). Also called: CHOLESTASIS WITH DELTA(4)-3-OXOSTEROID 5-BETA-REDUCTASE DEFICIENCY. Identifiers: Orphanet 79303, MedGen C1856127, MONDO:0009339, OMIM 235555.

Allele frequency attached by ClinVar (database versions not stated): 1000 Genomes Project 30x 0.22142; 1000 Genomes Project 0.22744; TOPMed 0.24750; gnomAD 0.25784 and 0.26225.

Submissions (2):

Illumina Laboratory Services, Illumina
Classification: Benign for Congenital bile acid synthesis defect 2. Last evaluated: 2018-01-13. Review status: criteria provided, single submitter. Criteria: ICSL Variant Classification Criteria 13 December 2019. Collection method: clinical testing. Allele origin: germline.
Comment: This variant was observed in the ICSL laboratory as part of a predisposition screen in an ostensibly healthy population. It had not been previously curated by ICSL or reported in the Human Gene Mutation Database (HGMD: prior to June 1st, 2018), and was therefore a candidate for classification through an automated scoring system. Utilizing variant allele frequency, disease prevalence and penetrance estimates, and inheritance mode, an automated score was calculated to assess if this variant is too frequent to cause the disease. Based on the score and internal cut-off values, a variant classified as benign is not then subjected to further curation. The score for this variant resulted in a classification of benign for this disease.

Breakthrough Genomics
Classification: Benign. Review status: criteria provided, single submitter. Criteria: ACMG Guidelines, 2015. Collection method: not provided. Allele origin: germline. Inheritance: Autosomal recessive inheritance. Affected: yes.